The following is an entry in ClinVar:

NM_134269.3(SMTN):c.1478G>A (p.Arg493Gln)

Gene: SMTN (smoothelin; plus strand). Cytogenetic location: 22q12.2.
Variant type: single nucleotide variant.
Coding change: c.1478G>A on transcript NM_134269.3 (MANE Select); coding-DNA position 1478, G replaced by A.
Protein change: p.Arg493Gln; replaces arginine 493 with glutamine.
Molecular consequence: missense variant. On other transcripts: non-coding transcript variant (4).
Genome position (GRCh38, 1-based): chr22:31,091,693, G>A. VCF-style: chr22-31091693-G-A. GRCh37 (hg19) VCF-style: chr22-31487679-G-A.
Other names: c.1640G>A, p.Arg547Gln (NM_001207017.1, NM_001382643.1, NM_001382644.1); c.1646G>A, p.Arg549Gln (NM_001207018.2); c.1478G>A, p.Arg493Gln (NM_001382638.1, NM_001382639.1, NM_001382640.1 and 6 more transcripts); c.1760G>A, p.Arg587Gln (NM_001382642.1); c.452G>A, p.Arg151Gln (NM_001382648.1); short protein forms R151Q, R493Q, R547Q, R549Q, R587Q.
Identifiers: ClinVar variation 2653065 (VCV002653065.24), dbSNP rs143097953, ClinGen allele CA10187919.

ClinVar aggregate classification (germline): Likely benign (1 of 4 stars; one submission).

Allele frequency attached by ClinVar (database versions not stated): 1000 Genomes Project 30x 0.00031; 1000 Genomes Project 0.00040; gnomAD 0.00094; ESP Exome Variant Server 0.00100; TOPMed 0.00103; gnomAD exomes 0.00114; ExAC 0.00182.
gnomAD v4.1: 1,824 of 1,598,686 alleles (0.11%); highest among the groups gnomAD compares: Middle Eastern, 0.75%; 14 homozygotes.

Submission:

CeGaT Center for Human Genetics Tuebingen
Classification: Likely benign. Last evaluated: 2023-01-01. Review status: criteria provided, single submitter. Criteria: CeGaT Center For Human Genetics Tuebingen Variant Classification Criteria Version 2. Collection method: clinical testing. Allele origin: germline. Affected: yes. Observed: 2 variant alleles.
Comment: SMTN: BP4, BS2